The following is an entry in ClinVar:

NM_006915.3(RP2):c.843del (p.Arg282fs)

Gene: RP2 (RP2 activator of ARL3 GTPase; plus strand). Cytogenetic location: Xp11.3.
Variant type: Deletion.
Coding change: c.843del on transcript NM_006915.3 (MANE Select); coding-DNA position 843, one base deleted (T; older notation c.843delT).
Protein change: p.Arg282fs; shifts the reading frame from arginine 282.
Molecular consequence: frameshift variant.
Genome position (GRCh38, 1-based): chrX:46,860,062, T deleted; the last of 5 consecutive T bases (chrX:46,860,058-46,860,062); deleting any one gives the same sequence. VCF-style (leftmost placement, unchanged base first): chrX-46860057-GT-G. GRCh37 (hg19) VCF-style: chrX-46719492-GT-G.
Other names: short protein forms R282fs.
Identifiers: ClinVar variation 1404865 (VCV001404865.6), dbSNP rs2147083253, ClinGen allele CA2573158918.

ClinVar aggregate classification (germline): Pathogenic (1 of 4 stars; one submission).

Submission:

Labcorp Genetics (formerly Invitae), Labcorp
Classification: Pathogenic. Last evaluated: 2022-08-23. Review status: criteria provided, single submitter. Criteria: Invitae Variant Classification Sherloc (09022015). Collection method: clinical testing. Allele origin: germline.
Comment: For these reasons, this variant has been classified as Pathogenic. ClinVar contains an entry for this variant (Variation ID: 1404865). This variant has not been reported in the literature in individuals affected with RP2-related conditions. This variant is not present in population databases (gnomAD no frequency). This sequence change creates a premature translational stop signal (p.Arg282Glyfs*11) in the RP2 gene. It is expected to result in an absent or disrupted protein product. Loss-of-function variants in RP2 are known to be pathogenic (PMID: 11992260, 20625056).

Literature cited by the submitters: PubMed 11992260; PubMed 20625056.